The following is an entry in ClinVar:

ClinVar aggregate classification (germline): Uncertain significance. Review status: criteria provided, multiple submitters, no conflicts (2 of 4 stars). 9 submissions from 9 submitters: Uncertain significance (9). Last evaluated 2025-11-17.

Conditions:
Leukodystrophy, hypomyelinating, 11. Identifiers: Orphanet 88637, MedGen C4225305, MONDO:0014666, OMIM 616494.
Treacher Collins syndrome 3 (TCS3). Also called: POLR1C-Related Treacher Collins Syndrome. Identifiers: Orphanet 861, MedGen C1855433, MONDO:0009558, OMIM 248390.
POLR1C-related disorder. Also called: POLR1C-related disorders; POLR1C-related condition. Identifiers: MedGen CN239394, MONDO:0700278.
Inborn genetic diseases. Identifiers: MedGen C0950123, MeSH D030342.

Allele frequency attached by ClinVar (database versions not stated): ExAC 0.00014; gnomAD exomes 0.00017; gnomAD 0.00018 and 0.00019; TOPMed 0.00020; ESP Exome Variant Server 0.00046.
gnomAD v4.1: 301 of 1,613,952 alleles (0.019%); highest among the groups gnomAD compares: Middle Eastern, 0.066%; 1 homozygote.

Submissions (9):

PreventionGenetics, part of Exact Sciences
Classification: Uncertain significance for POLR1C-related condition. Last evaluated: 2025-11-17. Review status: criteria provided, single submitter. Criteria: ACMG Guidelines, 2015. Collection method: clinical testing. Allele origin: germline.
Comment: The POLR1C c.65G>A variant is predicted to result in the amino acid substitution p.Arg22His. To our knowledge, this variant has not been reported in the literature. This variant is reported in 0.028% of alleles in individuals of European (Non-Finnish) descent in gnomAD. At this time, the clinical significance of this variant is uncertain due to the absence of conclusive functional and genetic evidence.

Dasa
Classification: Uncertain significance for Leukodystrophy, hypomyelinating, 11. Last evaluated: 2025-11-10. Review status: criteria provided, single submitter. Criteria: DASA Assertion Criteria. Collection method: clinical testing. Allele origin: germline.
Comment: NM_203290.4(POLR1C):c.65G>A (p.Arg22His) is a missense variant that results in the substitution of arginine with histidine. This variant is rare in population databases. The currently available literature and clinical evidence are not sufficient to establish a definitive association between this variant and the reported condition. Therefore, this variant is classified as a variant of uncertain significance.

Ambry Genetics
Classification: Uncertain significance for Inborn genetic diseases. Last evaluated: 2025-06-12. Review status: criteria provided, single submitter. Criteria: Ambry Variant Classification Scheme 2023. Collection method: clinical testing. Allele origin: germline.

Blueprint Genetics
Classification: Uncertain significance. Last evaluated: 2024-09-16. Review status: criteria provided, single submitter. Criteria: ACMG Guidelines, 2015. Collection method: clinical testing. Allele origin: germline.

Women's Health and Genetics/Laboratory Corporation of America, LabCorp
Classification: Uncertain significance. Last evaluated: 2024-04-09. Review status: criteria provided, single submitter. Criteria: LabCorp Variant Classification Summary - May 2015. Collection method: clinical testing. Allele origin: germline.
Comment: Variant summary: POLR1C c.65G>A (p.Arg22His) results in a non-conservative amino acid change in the encoded protein sequence. Three of five in-silico tools predict a benign effect of the variant on protein function. The variant allele was found at a frequency of 0.00017 in 251486 control chromosomes. To our knowledge, no occurrence of c.65G>A in individuals affected with POLR1C-Related Disorders and no experimental evidence demonstrating its impact on protein function have been reported. ClinVar contains an entry for this variant (Variation ID: 1200842). Based on the evidence outlined above, the variant was classified as uncertain significance.

Labcorp Genetics (formerly Invitae), Labcorp
Classification: Uncertain significance. Last evaluated: 2022-10-05. Review status: criteria provided, single submitter. Criteria: Invitae Variant Classification Sherloc (09022015). Collection method: clinical testing. Allele origin: germline.
Comment: This sequence change replaces arginine, which is basic and polar, with histidine, which is basic and polar, at codon 22 of the POLR1C protein (p.Arg22His). This variant is present in population databases (rs149529196, gnomAD 0.02%). This variant has not been reported in the literature in individuals affected with POLR1C-related conditions. ClinVar contains an entry for this variant (Variation ID: 1200842). Algorithms developed to predict the effect of missense changes on protein structure and function are either unavailable or do not agree on the potential impact of this missense change (SIFT: "Not Available"; PolyPhen-2: "Benign"; Align-GVGD: "Not Available"). In summary, the available evidence is currently insufficient to determine the role of this variant in disease. Therefore, it has been classified as a Variant of Uncertain Significance.

CeGaT Center for Human Genetics Tuebingen
Classification: Uncertain significance. Last evaluated: 2022-07-01. Review status: criteria provided, single submitter. Criteria: CeGaT Center For Human Genetics Tuebingen Variant Classification Criteria Version 2. Collection method: clinical testing. Allele origin: germline. Affected: yes. Observed: 2 variant alleles.

Fulgent Genetics
Classification: Uncertain significance for Treacher Collins syndrome 3; Leukodystrophy, hypomyelinating, 11. Last evaluated: 2021-07-15. Review status: criteria provided, single submitter. Criteria: ACMG Guidelines, 2015. Collection method: clinical testing. Allele origin: unknown.

GeneDx
Classification: Uncertain significance. Last evaluated: 2020-01-28. Review status: criteria provided, single submitter. Criteria: GeneDx Variant Classification Process June 2021. Collection method: clinical testing. Allele origin: germline. Affected: yes.
Comment: In silico analysis, which includes protein predictors and evolutionary conservation, supports that this variant does not alter protein structure/function; Has not been previously published as pathogenic or benign to our knowledge

NM_203290.4(POLR1C):c.65G>A (p.Arg22His)

Genes: POLR1C (RNA polymerase I and III subunit C; plus strand), LOC129996517 (ATAC-STARR-seq lymphoblastoid active region 24602; plus strand). Cytogenetic location: 6p21.1.
Variant type: single nucleotide variant.
Coding change: c.65G>A on transcript NM_203290.4 (MANE Select); coding-DNA position 65, G replaced by A.
Protein change: p.Arg22His; replaces arginine 22 with histidine.
Molecular consequence: missense variant.
Genome position (GRCh38, 1-based): chr6:43,517,174, G>A. VCF-style: chr6-43517174-G-A. GRCh37 (hg19) VCF-style: chr6-43484912-G-A.
Other names: c.65G>A (NM_203290.3); c.65G>A, p.Arg22His (NM_001318876.2, NM_001363658.2); short protein forms R22H.
Identifiers: ClinVar variation 1200842 (VCV001200842.49), dbSNP rs149529196, ClinGen allele CA3825285.